The following is an entry in ClinVar:

NC_000003.12:g.169482734_169482735del

Genes: MECOM (MDS1 and EVI1 complex locus; minus strand), TERC (telomerase RNA component; minus strand). Cytogenetic location: 3q26.2.
Variant type: Deletion.
Molecular consequence: intron variant (on NM_004991.4).
Genome position: GRCh38 VCF-style: chr3-169482733-AGG-A. GRCh37 (hg19) VCF-style: chr3-169200521-AGG-A.
Other names: c.-190+180601_-190+180602del (NM_001205194.2); c.38-101211_38-101210del (NM_001366473.2, NM_001366466.2, NM_004991.4).
Identifiers: ClinVar variation 916672 (VCV000916672.2), dbSNP rs1751515631, ClinGen allele CA1139658327.

ClinVar aggregate classification (germline): Likely pathogenic (1 of 4 stars; one submission).

Conditions:
Dyskeratosis congenita, autosomal dominant 1 (DKCA1). Also called: Dyskeratosis congenita Scoggins type. Identifiers: Orphanet 1775, MedGen C4551974, MONDO:0007485, OMIM 127550. Inheritance: Variable.

Submission:

Godley laboratory, The University of Chicago
Classification: Likely pathogenic for Dyskeratosis congenita, autosomal dominant 1. Last evaluated: 2020-05-21. Review status: criteria provided, single submitter. Criteria: ACMG Guidelines, 2015. Collection method: clinical testing. Allele origin: germline. Inheritance: Autosomal dominant inheritance. Affected: yes. Observed: 1 heterozygote.

Literature cited by the submitters: PubMed 27192671.